The following is an entry in ClinVar:

ClinVar aggregate classification (germline): Uncertain significance. Review status: criteria provided, multiple submitters, no conflicts (2 of 4 stars). 3 submissions from 3 submitters: Uncertain significance (2). 1 of the submissions does not count toward it. Last evaluated 2026-01-19.

Conditions:
HYOU1-related disorder. Also called: HYOU1-related condition.

Allele frequency attached by ClinVar (database versions not stated): gnomAD 0.00018; gnomAD exomes 0.00018 and 0.00031; TOPMed 0.00021; ExAC 0.00024; ESP Exome Variant Server 0.00038.
gnomAD v4.1: 307 of 1,613,858 alleles (0.019%); highest among the groups gnomAD compares: Middle Eastern, 0.12%; 2 homozygotes.

Submissions (8):

Labcorp Genetics (formerly Invitae), Labcorp
Classification: Uncertain significance. Last evaluated: 2026-01-19. Review status: criteria provided, single submitter. Criteria: Invitae Variant Classification Sherloc (09022015). Collection method: clinical testing. Allele origin: germline.
Comment: This sequence change falls in intron 19 of the HYOU1 gene. It does not directly change the encoded amino acid sequence of the HYOU1 protein. It affects a nucleotide within the consensus splice site. This variant is present in population databases (rs201754853, gnomAD 0.2%), and has an allele count higher than expected for a pathogenic variant. This variant has not been reported in the literature in individuals affected with HYOU1-related conditions. ClinVar contains an entry for this variant (Variation ID: 1001975). Variants that disrupt the consensus splice site are a relatively common cause of aberrant splicing (PMID: 17576681, 9536098). Algorithms developed to predict the effect of sequence changes on RNA splicing suggest that this variant is not likely to affect RNA splicing. In summary, the available evidence is currently insufficient to determine the role of this variant in disease. Therefore, it has been classified as a Variant of Uncertain Significance.

Breakthrough Genomics
Classification: Uncertain significance. Review status: criteria provided, single submitter. Criteria: ACMG Guidelines, 2015. Collection method: not provided. Allele origin: germline. Inheritance: Autosomal recessive inheritance. Affected: yes.

PreventionGenetics, part of Exact Sciences
Classification: Likely benign for HYOU1-related condition. Last evaluated: 2023-10-17. Review status: no assertion criteria provided. Collection method: clinical testing. Allele origin: germline. Not counted in ClinVar's aggregate classification.
Comment: This variant is classified as likely benign based on ACMG/AMP sequence variant interpretation guidelines (Richards et al. 2015 PMID: 25741868, with internal and published modifications).

Dr. Peter K. Rogan Lab, Western University
No classification provided (evidence only). Condition: Clear cell carcinoma of kidney. Review status: no classification provided. Collection method: in vitro. Allele origin: not applicable. Functional consequence: retained intron. Not counted in ClinVar's aggregate classification.

Dr. Peter K. Rogan Lab, Western University
No classification provided (evidence only). Condition: Uterine corpus endometrial carcinoma. Review status: no classification provided. Collection method: in vitro. Allele origin: not applicable. Functional consequence: retained intron. Not counted in ClinVar's aggregate classification.

Dr. Peter K. Rogan Lab, Western University
No classification provided (evidence only). Condition: Cervical cancer. Review status: no classification provided. Collection method: in vitro. Allele origin: not applicable. Functional consequence: retained intron. Not counted in ClinVar's aggregate classification.

Dr. Peter K. Rogan Lab, Western University
No classification provided (evidence only). Condition: Thymoma. Review status: no classification provided. Collection method: in vitro. Allele origin: not applicable. Functional consequence: retained intron. Not counted in ClinVar's aggregate classification.

Dr. Peter K. Rogan Lab, Western University
No classification provided (evidence only). Condition: Gastric cancer. Review status: no classification provided. Collection method: in vitro. Allele origin: not applicable. Functional consequence: retained intron. Not counted in ClinVar's aggregate classification.

Literature cited by the submitters: PubMed 17576681 (cited by Labcorp Genetics (formerly Invitae), Labcorp); PubMed 9536098 (cited by Labcorp Genetics (formerly Invitae), Labcorp).

NM_006389.5(HYOU1):c.2253+6T>G

Gene: HYOU1 (hypoxia up-regulated 1; minus strand). Cytogenetic location: 11q23.3.
Variant type: single nucleotide variant.
Coding change: c.2253+6T>G on transcript NM_006389.5 (MANE Select); 6 bases into the intron after coding-DNA position 2253, T replaced by G.
Molecular consequence: intron variant.
Genome position (GRCh38, 1-based): chr11:119,048,470, A>C on the plus strand (T>G on the coding strand, the complement: HYOU1 is on the minus strand). VCF-style: chr11-119048470-A-C. GRCh37 (hg19) VCF-style: chr11-118919182-A-C.
Other names: c.2253+6T>G (NM_001130991.3, NM_006389.4).
Identifiers: ClinVar variation 1001975 (VCV001001975.10), dbSNP rs201754853, ClinGen allele CA229618873.